The following is an entry in ClinVar:

NM_002860.4(ALDH18A1):c.1376G>A (p.Arg459Gln)

Gene: ALDH18A1 (aldehyde dehydrogenase 18 family member A1; minus strand). Cytogenetic location: 10q24.1.
Variant type: single nucleotide variant.
Coding change: c.1376G>A on transcript NM_002860.4 (MANE Select); coding-DNA position 1376, G replaced by A.
Protein change: p.Arg459Gln; replaces arginine 459 with glutamine.
Molecular consequence: missense variant.
Genome position (GRCh38, 1-based): chr10:95,621,122, C>T on the plus strand (G>A on the coding strand, the complement: ALDH18A1 is on the minus strand). VCF-style: chr10-95621122-C-T. GRCh37 (hg19) VCF-style: chr10-97380879-C-T.
Other names: c.1370G>A, p.Arg457Gln (NM_001017423.2, NM_001323415.2); c.1043G>A, p.Arg348Gln (NM_001323412.2, NM_001323416.2); c.1376G>A, p.Arg459Gln (NM_001323413.2, NM_001323414.2); c.1271G>A, p.Arg424Gln (NM_001323417.2); c.1037G>A, p.Arg346Gln (NM_001323418.2); c.740G>A, p.Arg247Gln (NM_001323419.2); short protein forms R247Q, R457Q, R346Q, R348Q, R424Q, R459Q.
Identifiers: ClinVar variation 952030 (VCV000952030.10), dbSNP rs771386671, ClinGen allele CA5620334.
Genomic context (GRCh38, chr10:95,621,122, plus strand): 5'-ATCACCAGCAGAACTCCAATTGGGACAGTCACTTGTTCCAGTTCCAAGTTTTTGGCGATT[C>T]GGGTGCGGCGCAAAACACGTCCCACGCTGTCCTGGGAGGAGGCTGCGATCTGTCGCAGAC-3'
Protein context (NP_002851.2, residues 449-469): DSVGRVLRRT[Arg459Gln]IAKNLELEQV

ClinVar aggregate classification (germline): Uncertain significance (1 of 4 stars; one submission).

Conditions:
de Barsy syndrome. Also called: Cutis laxa-corneal clouding-oligophrenia syndrome. Identifiers: Orphanet 2962, MedGen C0268354, MONDO:0017569.
Autosomal dominant spastic paraplegia type 9. Identifiers: MedGen C1832669, MONDO:0015091.
Cutis laxa, autosomal dominant 3 (ADCL3). Identifiers: Orphanet 90348, MedGen C4225268, MONDO:0014706, OMIM 616603.

Allele frequency attached by ClinVar (database versions not stated): TOPMed 0.00006; gnomAD 0.00013 and 0.00014; ExAC 0.00001; gnomAD exomes 0.00001 and 0.00003.
gnomAD v4.1: 32 of 1,613,838 alleles (0.002%); highest among the groups gnomAD compares: Admixed American, 0.045%; no homozygotes.

Submission:

Labcorp Genetics (formerly Invitae), Labcorp
Classification: Uncertain significance for Autosomal dominant spastic paraplegia type 9; de Barsy syndrome; Cutis laxa, autosomal dominant 3. Last evaluated: 2025-04-20. Review status: criteria provided, single submitter. Criteria: Invitae Variant Classification Sherloc (09022015). Collection method: clinical testing. Allele origin: germline.
Comment: This sequence change replaces arginine, which is basic and polar, with glutamine, which is neutral and polar, at codon 459 of the ALDH18A1 protein (p.Arg459Gln). This variant is present in population databases (rs771386671, gnomAD 0.02%). This variant has not been reported in the literature in individuals affected with ALDH18A1-related conditions. ClinVar contains an entry for this variant (Variation ID: 952030). Invitae Evidence Modeling of protein sequence and biophysical properties (such as structural, functional, and spatial information, amino acid conservation, physicochemical variation, residue mobility, and thermodynamic stability) indicates that this missense variant is not expected to disrupt ALDH18A1 protein function with a negative predictive value of 95%. In summary, the available evidence is currently insufficient to determine the role of this variant in disease. Therefore, it has been classified as a Variant of Uncertain Significance.